The following is an entry in ClinVar:

NM_000535.7(PMS2):c.433C>T (p.Gln145Ter)

Gene: PMS2 (PMS1 homolog 2, mismatch repair system component; minus strand). Cytogenetic location: 7p22.1.
Variant type: single nucleotide variant.
Coding change: c.433C>T on transcript NM_000535.7 (MANE Select); coding-DNA position 433, C replaced by T.
Protein change: p.Gln145Ter; replaces glutamine 145 with a stop codon.
Molecular consequence: nonsense. On other transcripts: 5 prime UTR variant (2), non-coding transcript variant (1).
Genome position (GRCh38, 1-based): chr7:6,002,557, G>A on the plus strand (C>T on the coding strand, the complement: PMS2 is on the minus strand). VCF-style: chr7-6002557-G-A. GRCh37 (hg19) VCF-style: chr7-6042188-G-A.
Other names: c.28C>T, p.Gln10Ter (NM_001018040.1, NM_001322003.2, NM_001322004.2 and 25 more transcripts); c.433C>T, p.Gln145Ter (NM_001322006.2, NM_001322014.2, NM_001406869.1 and 8 more transcripts); c.115C>T, p.Gln39Ter (NM_001322007.2, NM_001322008.2, NM_001406876.1 and 4 more transcripts); c.-452C>T (NM_001322011.2, NM_001322012.2); c.124C>T, p.Gln42Ter (NM_001322015.2, NM_001406875.1, NM_001406877.1 and 6 more transcripts); c.619C>T, p.Gln207Ter (NM_001406866.1); c.457C>T, p.Gln153Ter (NM_001406868.1); short protein forms Q10*, Q207*, Q42*, Q145*, Q153*, Q39*.
Identifiers: ClinVar variation 1739846 (VCV001739846.4), dbSNP rs786204133, ClinGen allele CA366744358.

ClinVar aggregate classification (germline): Pathogenic. Review status: criteria provided, multiple submitters, no conflicts (2 of 4 stars). 2 submissions from 2 submitters: Pathogenic (2). Last evaluated 2025-07-08.

Conditions:
Hereditary cancer-predisposing syndrome. Also called: Hereditary Cancer Syndrome; Hereditary neoplastic syndrome; Neoplastic Syndromes, Hereditary; Tumor predisposition. Identifiers: Orphanet 140162, MedGen C0027672, MeSH D009386, MONDO:0015356.
Lynch syndrome. Identifiers: Orphanet 144, MedGen C4552100, MONDO:0005835. Disease mechanism: loss of function.

Submissions (2):

Ambry Genetics
Classification: Pathogenic for Hereditary cancer-predisposing syndrome. Last evaluated: 2025-07-08. Review status: criteria provided, single submitter. Criteria: Ambry Variant Classification Scheme 2023. Collection method: clinical testing. Allele origin: germline.
Comment: The p.Q145* pathogenic mutation (also known as c.433C>T), located in coding exon 5 of the PMS2 gene, results from a C to T substitution at nucleotide position 433. This changes the amino acid from a glutamine to a stop codon within coding exon 5. This alteration is expected to result in loss of function by premature protein truncation or nonsense-mediated mRNA decay. As such, this alteration is interpreted as a disease-causing mutation.

All of Us Research Program, National Institutes of Health
Classification: Pathogenic for Lynch syndrome. Last evaluated: 2023-11-28. Review status: criteria provided, single submitter. Criteria: ACMG Guidelines, 2015. Collection method: clinical testing. Allele origin: germline. Inheritance: Autosomal dominant inheritance. Observed: 1 variant allele, 1 heterozygote.
Comment: This variant is predicted to result in loss of protein function through nonsense-mediated decay or protein truncation. Loss of function is an established mechanism of disease. This variant has not been reported in individuals with Lynch syndrome. This variant is absent from large population databases, including the Genome Aggregation Database.

This study involves interpretation of variants in research participants for the purpose of population health screening. Participant phenotype was not available at the time of variant classification. Additional details can be found in publication PMID: 35346344, PMCID: PMC8962531